The following is an entry in ClinVar:

ClinVar aggregate classification (germline): Likely benign (1 of 4 stars; one submission).

Allele frequency attached by ClinVar (database versions not stated): 1000 Genomes Project 0.00060; gnomAD 0.00070; TOPMed 0.00074; ESP Exome Variant Server 0.00077; 1000 Genomes Project 30x 0.00094; ExAC 0.00123; gnomAD exomes 0.00135.
gnomAD v4.1: 2,038 of 1,613,570 alleles (0.13%); highest among the groups gnomAD compares: Non-Finnish European, 0.16%; 1 homozygote.

Submission:

CeGaT Center for Human Genetics Tuebingen
Classification: Likely benign. Last evaluated: 2022-07-01. Review status: criteria provided, single submitter. Criteria: CeGaT Center For Human Genetics Tuebingen Variant Classification Criteria Version 2. Collection method: clinical testing. Allele origin: germline. Affected: yes. Observed: 1 variant allele.
Comment: TPCN2: BP4, BP7

NM_139075.4(TPCN2):c.159C>T (p.Ile53=)

Gene: TPCN2 (two pore segment channel 2; plus strand). Cytogenetic location: 11q13.3.
Variant type: single nucleotide variant.
Coding change: c.159C>T on transcript NM_139075.4 (MANE Select); coding-DNA position 159, C replaced by T.
Protein change: p.Ile53=; no amino-acid change (isoleucine 53 retained).
Molecular consequence: synonymous variant.
Genome position (GRCh38, 1-based): chr11:69,054,082, C>T. VCF-style: chr11-69054082-C-T. GRCh37 (hg19) VCF-style: chr11-68821550-C-T.
Identifiers: ClinVar variation 2642048 (VCV002642048.24), dbSNP rs11604928, ClinGen allele CA6154649.
Genomic context (GRCh38, chr11:69,054,082, plus strand): 5'-TCTGCCTGCAGGTGCCGCGGCCAGGTGGGACCTCTGCATTGATCAGGCTGTGGTCTTCAT[C>T]GAAGATGCTATTCAGGTCGGTGGCACCTGCTCCCTGTGGCCGGGCCTGGGGGGTGGCCGC-3'
Protein context (NP_620714.2, residues 43-63): DLCIDQAVVF[Ile53=]EDAIQYRSIN